The following is an entry in ClinVar:

NM_001365951.3(KIF1B):c.4579A>G (p.Ser1527Gly)

Gene: KIF1B (kinesin family member 1B; plus strand). Cytogenetic location: 1p36.22.
Variant type: single nucleotide variant.
Coding change: c.4579A>G on transcript NM_001365951.3 (MANE Select); coding-DNA position 4579, A replaced by G.
Protein change: p.Ser1527Gly; replaces serine 1527 with glycine.
Molecular consequence: missense variant.
Genome position (GRCh38, 1-based): chr1:10,365,475, A>G. VCF-style: chr1-10365475-A-G. GRCh37 (hg19) VCF-style: chr1-10425533-A-G.
Other names: c.4579A>G, p.Ser1527Gly (NM_001365952.1); c.4441A>G, p.Ser1481Gly (NM_015074.3); short protein forms S1527G, S1481G.
Identifiers: ClinVar variation 4043111 (VCV004043111.1).

ClinVar aggregate classification (germline): Uncertain significance (1 of 4 stars; one submission).

gnomAD v4.1: 2 of 1,614,090 alleles (0.00012%); highest among the groups gnomAD compares: Non-Finnish European, 0.00017%; no homozygotes.

Submission:

Ambry Genetics
Classification: Uncertain significance. Last evaluated: 2025-04-23. Review status: criteria provided, single submitter. Criteria: Ambry Variant Classification Scheme 2023. Collection method: clinical testing. Allele origin: germline.
Comment: The p.S1481G variant (also known as c.4441A>G), located in coding exon 40 of the KIF1B gene, results from an A to G substitution at nucleotide position 4441. The serine at codon 1481 is replaced by glycine, an amino acid with similar properties. This amino acid position is well conserved in available vertebrate species. In addition, this alteration is predicted to be tolerated by in silico analysis. The evidence for this gene-disease relationship is limited; therefore, the clinical significance of this alteration is unclear.